The following is an entry in ClinVar:

ClinVar aggregate classification (germline): Pathogenic/Likely pathogenic. Review status: criteria provided, multiple submitters, no conflicts (2 of 4 stars). 4 submissions from 4 submitters: Pathogenic (2); Likely pathogenic (1). 1 of the submissions does not count toward it. Last evaluated 2026-07-10.

Conditions:
Mitochondrial DNA depletion syndrome 1. Also called: Mitochondrial neurogastrointestinal encephalomyopathy syndrome; POLIP SYNDROME; POLYNEUROPATHY, OPHTHALMOPLEGIA, LEUKOENCEPHALOPATHY, AND INTESTINAL PSEUDOOBSTRUCTION; Mitochondrial DNA Depletion Syndrome, MNGIE Form; Mitochondrial Neurogastrointestinal Encephalopathy Disease; MITOCHONDRIAL NEUROGASTROINTESTINAL ENCEPHALOPATHY SYNDROME, TYMP-RELATED. Identifiers: Orphanet 298, MedGen C4551995, MONDO:0011283, OMIM 603041.

Submissions (4):

Myriad Genetics, Inc.
Classification: Likely pathogenic for Mitochondrial DNA depletion syndrome 1. Last evaluated: 2026-07-10. Review status: criteria provided, single submitter. Criteria: Myriad Autosomal Dominant, Autosomal Recessive and X-Linked Classification Criteria (2023). Collection method: clinical testing. Allele origin: unknown.
Comment: NM_001953.4(TYMP):c.1327_1346del20(D443Pfs*?) is a readthrough frameshift variant classified as likely pathogenic in the context of mitochondrial neurogastrointestinal encephalopathy disease. D443Pfs*? has been observed in cases with relevant disease (PMID: 16198108, 21731582, 21820356). Relevant functional assessments of this variant are not available in the literature. D443Pfs*? has not been observed in referenced population frequency databases. In summary, NM_001953.4(TYMP):c.1327_1346del20(D443Pfs*?) is a readthrough frameshift variant that has been observed more frequently in cases with the relevant disease than in healthy populations. Please note: this variant was assessed in the context of healthy population screening.

Fulgent Genetics
Classification: Pathogenic for Mitochondrial DNA depletion syndrome 1. Last evaluated: 2024-05-26. Review status: criteria provided, single submitter. Criteria: ACMG Guidelines, 2015. Collection method: clinical testing. Allele origin: germline.

Labcorp Genetics (formerly Invitae), Labcorp
Classification: Pathogenic. Last evaluated: 2024-01-16. Review status: criteria provided, single submitter. Criteria: Invitae Variant Classification Sherloc (09022015). Collection method: clinical testing. Allele origin: germline.
Comment: This sequence change results in a frameshift in the TYMP gene (p.Asp443Profs*). While this is not anticipated to result in nonsense mediated decay, it is expected to disrupt the last 40 amino acid(s) of the TYMP protein and extend the protein by an uncertain number of additional amino acid residues. This variant is not present in population databases (gnomAD no frequency). This frameshift has been observed in individual(s) with clinical features of mitochondrial neurogastrointestinal encephalomyopathy (PMID: 16198108). ClinVar contains an entry for this variant (Variation ID: 223086). This variant disrupts the C-terminus of the TYMP protein. Other variant(s) that disrupt this region (p.Ser471*) have been observed in individuals with TYMP-related conditions (PMID: 9924029, 17437622). This suggests that this may be a clinically significant region of the protein. For these reasons, this variant has been classified as Pathogenic.

GeneReviews
Classification: Pathogenic for Mitochondrial DNA depletion syndrome 1. Last evaluated: 2016-01-14. Review status: no assertion criteria provided. Collection method: literature only. Allele origin: germline. Affected: yes. Not counted in ClinVar's aggregate classification.

Literature cited by the submitters: PubMed 16198108 (cited by 3 submitters); PubMed 21731582 (cited by Myriad Genetics, Inc.); PubMed 21820356 (cited by Myriad Genetics, Inc.); PubMed 9924029 (cited by Labcorp Genetics (formerly Invitae), Labcorp); PubMed 17437622 (cited by Labcorp Genetics (formerly Invitae), Labcorp).

NM_001953.5(TYMP):c.1327_1346del (p.Asp443fs)

Genes: SCO2 (synthesis of cytochrome C oxidase 2; minus strand), TYMP (thymidine phosphorylase; minus strand), LOC130067862 (ATAC-STARR-seq lymphoblastoid silent region 13986; plus strand). Cytogenetic location: 22q13.33.
Variant type: Deletion.
Coding change: c.1327_1346del on transcript NM_001953.5 (MANE Select); coding-DNA positions 1327 to 1346, 20 bases deleted (GACGGCCCCGCGCTCAGCGG).
Protein change: p.Asp443fs; shifts the reading frame from aspartic acid 443.
Molecular consequence: frameshift variant. On other transcripts: intron variant (2).
Genome position (GRCh38, 1-based): chr22:50,525,873-50,525,892, CCGCTGAGCGCGGGGCCGTC deleted on the plus strand (GACGGCCCCGCGCTCAGCGG on the coding strand, the reverse complement: TYMP is on the minus strand); deleting any 20 consecutive bases within chr22:50,525,873-50,525,895 gives the same sequence; the c. name uses the placement nearest the transcript's 3' end. VCF-style (leftmost placement, unchanged base first): chr22-50525872-GCCGCTGAGCGCGGGGCCGTC-G. GRCh37 (hg19) VCF-style: chr22-50964301-GCCGCTGAGCGCGGGGCCGTC-G.
Other names: c.1327_1346del, p.Asp443fs (NM_001257988.1, NM_001113755.3, NM_001113756.3); c.1342_1361del, p.Asp448fs (NM_001257989.1); c.-14+354_-14+373del (NM_001169109.2); c.-14+109_-14+128del (NM_001169110.1); short protein forms D443fs, D448fs.
Identifiers: ClinVar variation 223086 (VCV000223086.12), dbSNP rs1064792890, ClinGen allele CA16616818.